The following is an entry in ClinVar:

NM_025216.3(WNT10A):c.1063del (p.Ala355fs)

Gene: WNT10A (Wnt family member 10A; plus strand). Cytogenetic location: 2q35.
Variant type: Deletion.
Coding change: c.1063del on transcript NM_025216.3 (MANE Select); coding-DNA position 1063, one base deleted (G; older notation c.1063delG).
Protein change: p.Ala355fs; shifts the reading frame from alanine 355.
Molecular consequence: frameshift variant.
Genome position (GRCh38, 1-based): chr2:218,893,080, G deleted; the last of 2 consecutive G bases (chr2:218,893,079-218,893,080); deleting either gives the same sequence. VCF-style (leftmost placement, unchanged base first): chr2-218893078-CG-C. GRCh37 (hg19) VCF-style: chr2-219757800-CG-C.
Other names: short protein forms A355fs.
Identifiers: ClinVar variation 1458073 (VCV001458073.8), dbSNP rs2106018668, ClinGen allele CA2573135232.

ClinVar aggregate classification (germline): Pathogenic (1 of 4 stars; one submission).

Conditions:
Odonto-onycho-dermal dysplasia. Identifiers: Orphanet 2721, MedGen C0796093, MONDO:0009773, OMIM 257980.
Tooth agenesis, selective, 4 (STHAG4). Also called: TOOTH AGENESIS, SELECTIVE, 4, WITH OR WITHOUT ECTODERMAL DYSPLASIA; LATERAL INCISORS, ABSENCE OF; LATERAL INCISORS, PEGGED OR MISSING; SUCCEDANEOUS TEETH, AGENESIS OF. Identifiers: Orphanet 99798, MedGen C1835492, MONDO:0007881, OMIM 150400. Disease mechanism: loss of function.

Submission:

Labcorp Genetics (formerly Invitae), Labcorp
Classification: Pathogenic for Tooth agenesis, selective, 4; Odonto-onycho-dermal dysplasia. Last evaluated: 2021-05-19. Review status: criteria provided, single submitter. Criteria: Invitae Variant Classification Sherloc (09022015). Collection method: clinical testing. Allele origin: germline.
Comment: This variant has not been reported in the literature in individuals with WNT10A-related conditions. This variant is not present in population databases (ExAC no frequency). This sequence change results in a frameshift in the WNT10A gene (p.Ala355Argfs*83). While this is not anticipated to result in nonsense mediated decay, it is expected to disrupt the last 63 amino acid(s) of the WNT10A protein and extend the protein by 19 additional amino acid residues. This variant disrupts the C-terminus of the WNT10A protein. Other variant(s) that disrupt this region (p.Glu390*) have been determined to be pathogenic (PMID: 24902757). This suggests that variants that disrupt this region of the protein are likely to be causative of disease. For these reasons, this variant has been classified as Pathogenic.

Literature cited by the submitters: PubMed 24902757.